The following is an entry in ClinVar:

NM_001384140.1(PCDH15):c.355C>T (p.Gln119Ter)

Gene: PCDH15 (protocadherin related 15; minus strand). Cytogenetic location: 10q21.1.
Variant type: single nucleotide variant.
Coding change: c.355C>T on transcript NM_001384140.1 (MANE Select); coding-DNA position 355, C replaced by T.
Protein change: p.Gln119Ter; replaces glutamine 119 with a stop codon.
Molecular consequence: nonsense.
Genome position (GRCh38, 1-based): chr10:54,369,239, G>A on the plus strand (C>T on the coding strand, the complement: PCDH15 is on the minus strand). VCF-style: chr10-54369239-G-A. GRCh37 (hg19) VCF-style: chr10-56128999-G-A.
Other names: c.370C>T, p.Gln124Ter (NM_001142763.2, NM_001142769.4, NM_001142771.2); c.355C>T, p.Gln119Ter (NM_001142764.2, NM_001142765.2, NM_001142766.2 and 8 more transcripts); c.289C>T, p.Gln97Ter (NM_001142768.2, NM_001142773.2, NM_001354404.2); short protein forms Q119*, Q124*, Q97*.
Identifiers: ClinVar variation 939702 (VCV000939702.7), dbSNP rs1947274911, ClinGen allele CA376542323.

ClinVar aggregate classification (germline): Pathogenic (1 of 4 stars; one submission).

Allele frequency attached by ClinVar (database versions not stated): gnomAD exomes below 0.00001.
gnomAD v4.1: 1 of 1,612,634 alleles (0.000062%); highest among the groups gnomAD compares: East Asian, 0.0022%; no homozygotes.

Submission:

Labcorp Genetics (formerly Invitae), Labcorp
Classification: Pathogenic. Last evaluated: 2019-05-27. Review status: criteria provided, single submitter. Criteria: Invitae Variant Classification Sherloc (09022015). Collection method: clinical testing. Allele origin: germline.
Comment: This sequence change creates a premature translational stop signal (p.Gln119*) in the PCDH15 gene. It is expected to result in an absent or disrupted protein product. This variant is not present in population databases (ExAC no frequency). This variant has not been reported in the literature in individuals with PCDH15-related conditions. Loss-of-function variants in PCDH15 are known to be pathogenic (PMID: 11398101, 11487575, 14570705). For these reasons, this variant has been classified as Pathogenic.

Literature cited by the submitters: PubMed 11398101; PubMed 11487575; PubMed 14570705.